The following is an entry in ClinVar:

NM_001035.3(RYR2):c.1236A>G (p.Glu412=)

Gene: RYR2 (ryanodine receptor 2; plus strand). Cytogenetic location: 1q43.
Variant type: single nucleotide variant.
Coding change: c.1236A>G on transcript NM_001035.3 (MANE Select); coding-DNA position 1236, A replaced by G.
Protein change: p.Glu412=; no amino-acid change (glutamic acid 412 retained).
Molecular consequence: synonymous variant.
Genome position (GRCh38, 1-based): chr1:237,445,466, A>G. VCF-style: chr1-237445466-A-G. GRCh37 (hg19) VCF-style: chr1-237608766-A-G.
Identifiers: ClinVar variation 1529405 (VCV001529405.10), dbSNP rs2150166360, ClinGen allele CA423812088.
Genomic context (GRCh38, chr1:237,445,466, plus strand): 5'-TATGCATCATGAAGGCCACATGGATGATGGCATAAGTTTGTCGAGATCCCAGCATGAAGA[A>G]TCACGCACAGCCCGAGTTATCCGGAGCACAGTCTTCCTTTTCAATAGATTTATAAGGTAC-3'
Protein context (NP_001026.2, residues 402-422): GISLSRSQHE[Glu412=]SRTARVIRST

ClinVar aggregate classification (germline): Likely benign. Review status: criteria provided, multiple submitters, no conflicts (2 of 4 stars). 2 submissions from 2 submitters: Likely benign (2). Last evaluated 2023-12-01.

Conditions:
Catecholaminergic polymorphic ventricular tachycardia 1. Also called: VENTRICULAR TACHYCARDIA, STRESS-INDUCED POLYMORPHIC 1; VENTRICULAR TACHYCARDIA, CATECHOLAMINERGIC POLYMORPHIC, 1, WITH OR WITHOUT ATRIAL DYSFUNCTION AND/OR DILATED CARDIOMYOPATHY; RYR2-Related Catecholaminergic Polymorphic Ventricular Tachycardia. Identifiers: Orphanet 3286, MedGen C1631597, MONDO:0011484, OMIM 604772.
Catecholaminergic polymorphic ventricular tachycardia (CVPT). Also called: Catecholamine-induced polymorphic ventricular tachycardia. Identifiers: Orphanet 3286, MedGen C5574922, MONDO:0017990.

gnomAD v4.1: 1 of 1,613,810 alleles (0.000062%); highest among the groups gnomAD compares: African/African-American, 0.0013%; no homozygotes.

Submissions (2):

All of Us Research Program, National Institutes of Health
Classification: Likely benign for Catecholaminergic polymorphic ventricular tachycardia. Last evaluated: 2023-12-01. Review status: criteria provided, single submitter. Criteria: ACMG Guidelines, 2015. Collection method: clinical testing. Allele origin: germline. Inheritance: Autosomal dominant inheritance. Observed: 2 variant alleles, 2 heterozygotes.
Comment: This study involves interpretation of variants in research participants for the purpose of population health screening. Participant phenotype was not available at the time of variant classification. Additional details can be found in publication PMID: 35346344, PMCID: PMC8962531

Labcorp Genetics (formerly Invitae), Labcorp
Classification: Likely benign for Catecholaminergic polymorphic ventricular tachycardia 1. Last evaluated: 2022-11-08. Review status: criteria provided, single submitter. Criteria: Invitae Variant Classification Sherloc (09022015). Collection method: clinical testing. Allele origin: germline.